The following is an entry in ClinVar:

NM_000152.5(GAA):c.546+5G>A

Gene: GAA (alpha glucosidase; plus strand). Cytogenetic location: 17q25.3.
Variant type: single nucleotide variant.
Coding change: c.546+5G>A on transcript NM_000152.5 (MANE Select); 5 bases into the intron after coding-DNA position 546, G replaced by A.
Molecular consequence: intron variant.
Genome position (GRCh38, 1-based): chr17:80,105,137, G>A. VCF-style: chr17-80105137-G-A. GRCh37 (hg19) VCF-style: chr17-78078936-G-A.
Other names: c.546+5G>A (NM_001079803.3, NM_001079804.3).
Identifiers: ClinVar variation 2151633 (VCV002151633.4), dbSNP rs756024023, ClinGen allele CA8814900.

ClinVar aggregate classification (germline): Uncertain significance. Review status: reviewed by expert panel (3 of 4 stars). 3 submissions from 3 submitters: Uncertain significance (1). 2 of the submissions do not count toward it. Last evaluated 2023-12-05.

Conditions:
Glycogen storage disease, type II (IOPD). Also called: Glucosidase acid-1,4-alpha deficiency; Deficiency of lysosomal alpha-glucosidase; Glycogen storage disease type 2; Acid maltase deficiency disease; Aglucosidase alfa; Deficiency of alpha-glucosidase. Identifiers: Orphanet 365, MedGen C0017921, MONDO:0009290, OMIM 232300.

gnomAD v4.1: 8 of 1,602,382 alleles (0.0005%); highest among the groups gnomAD compares: African/African-American, 0.0067%; no homozygotes.

Submissions (3):

ClinGen Lysosomal Storage Disorder Variant Curation Expert Panel
Classification: Uncertain significance for Glycogen storage disease, type II. Last evaluated: 2023-12-05. Review status: reviewed by expert panel. Criteria: clingen_lsd_acmg_specifications_v2-1. Collection method: curation. Allele origin: germline. Inheritance: Autosomal recessive inheritance.
Comment: The NM_000152.5:c.546+5G>A variant is in intron 2 of GAA. This variant has also been reported in one individual with a positive newborn screen for Pompe disease and confirmed deficient GAA enzyme in DBS; while this technically meets criteria for PP4_moderate, we cannot apply this evidence code as there has not been a confirmed phenotype in this individual. The highest population minor allele frequency in gnomAD v4.0 is 0.00006714 (5/74860 alleles) in the African/African-American subpopulation, which is lower than the ClinGen Lysosomal Disorders VCEP's threshold for PM2_Supporting (<0.001), meeting this criterion (PM2_Supporting). The computational splicing predictor SpliceAI gives a score of 0.57 for donor loss, predicting that the variant disrupts the donor splice site of intron 2 of GAA (PP3). There is another variant at the same location with a different amino acid change (NM_000152.5:c.546+5G>T) classified as a variant of uncertain significance by the ClinGen Lysosomal Disorders VCEP. There is a ClinVar entry for this variant (Variation ID: 2151633, 2 star review status) with two submitters classifying the variant as a uncertain significance. In summary, this variant has been classified as a VUS for Pompe disease by the ClinGen Lysosomal Disorders VCEP. GAA-Specific ACMG-AMP criteria applied, as specified by the ClinGen LSD VCEP (Specifications Version 2.0): PM3, PM2_Supporting, PP3. (Classification approved by the ClinGen Lysosomal Diseases Variant Curation Expert Panel on December 5, 2023).

Labcorp Genetics (formerly Invitae), Labcorp
Classification: Uncertain significance for Glycogen storage disease, type II. Last evaluated: 2024-07-19. Review status: criteria provided, single submitter. Criteria: Invitae Variant Classification Sherloc (09022015). Collection method: clinical testing. Allele origin: germline. Not counted in ClinVar's aggregate classification.
Comment: This sequence change falls in intron 2 of the GAA gene. It does not directly change the encoded amino acid sequence of the GAA protein. It affects a nucleotide within the consensus splice site. This variant is present in population databases (rs756024023, gnomAD 0.01%). This variant has not been reported in the literature in individuals affected with GAA-related conditions. ClinVar contains an entry for this variant (Variation ID: 2151633). Variants that disrupt the consensus splice site are a relatively common cause of aberrant splicing (PMID: 17576681, 9536098). Algorithms developed to predict the effect of sequence changes on RNA splicing suggest that this variant may disrupt the consensus splice site. This variant disrupts the c.546+5G nucleotide in the GAA gene. Other variant(s) that disrupt this nucleotide have been determined to be pathogenic (PMID: 21232767, 31301153; Invitae). This suggests that this nucleotide is clinically significant, and that variants that disrupt this position are likely to be disease-causing. In summary, the available evidence is currently insufficient to determine the role of this variant in disease. Therefore, it has been classified as a Variant of Uncertain Significance.

Greenwood Genetic Center Diagnostic Laboratories, Greenwood Genetic Center
Classification: Uncertain significance. Last evaluated: 2023-04-13. Review status: criteria provided, single submitter. Criteria: ACMG Guidelines, 2015. Collection method: clinical testing. Allele origin: germline. Affected: yes. Not counted in ClinVar's aggregate classification.
Comment: PM2, PM3_Supporting, PP3

Literature cited by the submitters: PubMed 17576681 (cited by Labcorp Genetics (formerly Invitae), Labcorp); PubMed 9536098 (cited by Labcorp Genetics (formerly Invitae), Labcorp); PubMed 21232767 (cited by Labcorp Genetics (formerly Invitae), Labcorp); PubMed 31301153 (cited by Labcorp Genetics (formerly Invitae), Labcorp).